The following is an entry in ClinVar:

NM_000540.3(RYR1):c.13435G>C (p.Gly4479Arg)

Gene: RYR1 (ryanodine receptor 1; plus strand). Cytogenetic location: 19q13.2.
Variant type: single nucleotide variant.
Coding change: c.13435G>C on transcript NM_000540.3 (MANE Select); coding-DNA position 13435, G replaced by C.
Protein change: p.Gly4479Arg; replaces glycine 4479 with arginine.
Molecular consequence: missense variant.
Genome position (GRCh38, 1-based): chr19:38,565,769, G>C. VCF-style: chr19-38565769-G-C. GRCh37 (hg19) VCF-style: chr19-39056409-G-C.
Other names: c.13420G>C, p.Gly4474Arg (NM_001042723.2); short protein forms G4474R, G4479R.
Identifiers: ClinVar variation 2435547 (VCV002435547.5), dbSNP rs1461963903, ClinGen allele CA405675925.
Genomic context (GRCh38, chr19:38,565,769, plus strand): 5'-GACACGACGCCTGCGGAACCGCCCACACCCGAGGGCTCTCCCATCCTCAAGAGGAAATTG[G>C]GGGTGAGAGAGCAGGCGGGGTTTTGGGGTTTTGGAAAGATGGGGGATTGGAGGGAGGAAG-3'
Protein context (NP_000531.2, residues 4469-4489): EGSPILKRKL[Gly4479Arg]VDGVEEELPP

ClinVar aggregate classification (germline): Uncertain significance. Review status: criteria provided, multiple submitters, no conflicts (2 of 4 stars). 2 submissions from 2 submitters: Uncertain significance (2). Last evaluated 2025-10-26.

Conditions:
RYR1-related disorder. Also called: RYR1-related condition; RYR1-related disorders. Identifiers: MedGen CN239331.

Allele frequency attached by ClinVar (database versions not stated): gnomAD 0.00001; TOPMed 0.00002; gnomAD exomes below 0.00001.
gnomAD v4.1: 3 of 1,399,882 alleles (0.00021%); highest among the groups gnomAD compares: Non-Finnish European, 0.00028%; no homozygotes.

Submissions (2):

Labcorp Genetics (formerly Invitae), Labcorp
Classification: Uncertain significance for RYR1-related disorder. Last evaluated: 2025-10-26. Review status: criteria provided, single submitter. Criteria: Invitae Variant Classification Sherloc (09022015). Collection method: clinical testing. Allele origin: germline.
Comment: This sequence change replaces glycine, which is neutral and non-polar, with arginine, which is basic and polar, at codon 4479 of the RYR1 protein (p.Gly4479Arg). This variant is present in population databases (no rsID available, gnomAD 0.008%). This variant has not been reported in the literature in individuals affected with RYR1-related conditions. ClinVar contains an entry for this variant (Variation ID: 2435547). Experimental studies and prediction algorithms are not available or were not evaluated, and the functional significance of this variant is currently unknown. In summary, the available evidence is currently insufficient to determine the role of this variant in disease. Therefore, it has been classified as a Variant of Uncertain Significance.

Revvity Omics, Revvity
Classification: Uncertain significance. Last evaluated: 2022-09-13. Review status: criteria provided, single submitter. Criteria: ACMG Guidelines, 2015. Collection method: clinical testing. Allele origin: germline.